The following is an entry in ClinVar:

NM_177438.3(DICER1):c.2938C>G (p.Leu980Val)

Gene: DICER1 (dicer 1, ribonuclease III; minus strand). Cytogenetic location: 14q32.13.
Variant type: single nucleotide variant.
Coding change: c.2938C>G on transcript NM_177438.3 (MANE Select); coding-DNA position 2938, C replaced by G.
Protein change: p.Leu980Val; replaces leucine 980 with valine.
Molecular consequence: missense variant.
Genome position (GRCh38, 1-based): chr14:95,106,090, G>C on the plus strand (C>G on the coding strand, the complement: DICER1 is on the minus strand). VCF-style: chr14-95106090-G-C. GRCh37 (hg19) VCF-style: chr14-95572427-G-C.
Other names: c.2938C>G, p.Leu980Val (NM_001195573.1, NM_001271282.3, NM_001291628.2 and 1 more transcripts); c.2938C>G (NM_177438.2); short protein forms L980V.
Identifiers: ClinVar variation 1052201 (VCV001052201.12), dbSNP rs1595373828, ClinGen allele CA390878904.

ClinVar aggregate classification (germline): Uncertain significance. Review status: criteria provided, multiple submitters, no conflicts (2 of 4 stars). 2 submissions from 2 submitters: Uncertain significance (2). Last evaluated 2026-07-23.

Conditions:
DICER1-related tumor predisposition. Also called: DICER1-related pleuropulmonary blastoma cancer predisposition syndrome; DICER1 syndrome. Identifiers: Orphanet 284343, MedGen C3839822, MONDO:0100216.
Hereditary cancer-predisposing syndrome. Also called: Tumor predisposition; Hereditary Cancer Syndrome; Hereditary neoplastic syndrome; Neoplastic Syndromes, Hereditary. Identifiers: Orphanet 140162, MedGen C0027672, MeSH D009386, MONDO:0015356.

Submissions (2):

Ambry Genetics
Classification: Uncertain significance for Hereditary cancer-predisposing syndrome. Last evaluated: 2026-07-23. Review status: criteria provided, single submitter. Criteria: Ambry Variant Classification Scheme 2023. Collection method: clinical testing. Allele origin: germline.

Labcorp Genetics (formerly Invitae), Labcorp
Classification: Uncertain significance for DICER1-related tumor predisposition. Last evaluated: 2020-02-21. Review status: criteria provided, single submitter. Criteria: Invitae Variant Classification Sherloc (09022015). Collection method: clinical testing. Allele origin: germline.
Comment: Algorithms developed to predict the effect of sequence changes on RNA splicing suggest that this variant may create or strengthen a splice site, but this prediction has not been confirmed by published transcriptional studies. In summary, the available evidence is currently insufficient to determine the role of this variant in disease. Therefore, it has been classified as a Variant of Uncertain Significance. Algorithms developed to predict the effect of missense changes on protein structure and function are either unavailable or do not agree on the potential impact of this missense change (SIFT: "Tolerated"; PolyPhen-2: "Probably Damaging"; Align-GVGD: "Class C15"). This sequence change replaces leucine with valine at codon 980 of the DICER1 protein (p.Leu980Val). The leucine residue is highly conserved and there is a small physicochemical difference between leucine and valine. This variant is not present in population databases (ExAC no frequency). This variant has not been reported in the literature in individuals with DICER1-related conditions.